The following is an entry in ClinVar:

NM_000321.3(RB1):c.1648T>C (p.Leu550=)

Gene: RB1 (RB transcriptional corepressor 1; plus strand). Cytogenetic location: 13q14.2.
Variant type: single nucleotide variant.
Coding change: c.1648T>C on transcript NM_000321.3 (MANE Select); coding-DNA position 1648, T replaced by C.
Protein change: p.Leu550=; no amino-acid change (leucine 550 retained).
Molecular consequence: synonymous variant.
Genome position (GRCh38, 1-based): chr13:48,381,396, T>C. VCF-style: chr13-48381396-T-C. GRCh37 (hg19) VCF-style: chr13-48955532-T-C.
Identifiers: ClinVar variation 1528249 (VCV001528249.11), dbSNP rs1280754489, ClinGen allele CA483559600.

ClinVar aggregate classification (germline): Likely benign. Review status: criteria provided, multiple submitters, no conflicts (2 of 4 stars). 3 submissions from 3 submitters: Likely benign (3). Last evaluated 2026-01-07.

Conditions:
Hereditary cancer-predisposing syndrome. Also called: Neoplastic Syndromes, Hereditary; Hereditary Cancer Syndrome; Tumor predisposition; Hereditary neoplastic syndrome. Identifiers: Orphanet 140162, MedGen C0027672, MeSH D009386, MONDO:0015356.
Retinoblastoma (RB1). Also called: RETINOBLASTOMA, SOMATIC. Identifiers: Orphanet 790, MedGen C0035335, MeSH D012175, MONDO:0008380, OMIM 180200, HP:0009919. Disease mechanism: loss of function. Inheritance: Both sporadic and heritable forms are tested..

Allele frequency attached by ClinVar (database versions not stated): gnomAD exomes below 0.00001; gnomAD 0.00001; TOPMed 0.00001.
gnomAD v4.1: 2 of 1,613,530 alleles (0.00012%); highest among the groups gnomAD compares: East Asian, 0.0045%; no homozygotes.

Submissions (3):

Labcorp Genetics (formerly Invitae), Labcorp
Classification: Likely benign for Retinoblastoma. Last evaluated: 2026-01-07. Review status: criteria provided, single submitter. Criteria: Invitae Variant Classification Sherloc (09022015). Collection method: clinical testing. Allele origin: germline.

All of Us Research Program, National Institutes of Health
Classification: Likely benign for Retinoblastoma. Last evaluated: 2023-06-26. Review status: criteria provided, single submitter. Criteria: ACMG Guidelines, 2015. Collection method: clinical testing. Allele origin: germline. Inheritance: Autosomal dominant inheritance. Observed: 1 variant allele, 1 heterozygote.
Comment: This study involves interpretation of variants in research participants for the purpose of population health screening. Participant phenotype was not available at the time of variant classification. Additional details can be found in publication PMID: 35346344, PMCID: PMC8962531

Ambry Genetics
Classification: Likely benign for Hereditary cancer-predisposing syndrome. Last evaluated: 2020-08-26. Review status: criteria provided, single submitter. Criteria: Ambry Variant Classification Scheme 2023. Collection method: clinical testing. Allele origin: germline.